The following is an entry in ClinVar:

NM_004064.5(CDKN1B):c.394G>C (p.Asp132His)

Gene: CDKN1B (cyclin dependent kinase inhibitor 1B; plus strand). Cytogenetic location: 12p13.1.
Variant type: single nucleotide variant.
Coding change: c.394G>C on transcript NM_004064.5 (MANE Select); coding-DNA position 394, G replaced by C.
Protein change: p.Asp132His; replaces aspartic acid 132 with histidine.
Molecular consequence: missense variant.
Genome position (GRCh38, 1-based): chr12:12,718,233, G>C. VCF-style: chr12-12718233-G-C. GRCh37 (hg19) VCF-style: chr12-12871167-G-C.
Other names: c.394G>C (NM_004064.3); short protein forms D132H.
Identifiers: ClinVar variation 841193 (VCV000841193.14), dbSNP rs760403492, ClinGen allele CA383970586.

ClinVar aggregate classification (germline): Uncertain significance. Review status: criteria provided, multiple submitters, no conflicts (2 of 4 stars). 3 submissions from 3 submitters: Uncertain significance (3). Last evaluated 2024-03-13.

Conditions:
Hereditary cancer-predisposing syndrome. Also called: Neoplastic Syndromes, Hereditary; Hereditary neoplastic syndrome; Tumor predisposition; Hereditary Cancer Syndrome. Identifiers: Orphanet 140162, MedGen C0027672, MeSH D009386, MONDO:0015356.
Multiple endocrine neoplasia type 4. Also called: MULTIPLE ENDOCRINE NEOPLASIA, TYPE IV. Identifiers: Orphanet 276152, MedGen C1970712, MONDO:0012552, OMIM 610755.

Allele frequency attached by ClinVar (database versions not stated): TOPMed 0.00001.

Submissions (3):

Labcorp Genetics (formerly Invitae), Labcorp
Classification: Uncertain significance for Multiple endocrine neoplasia type 4. Last evaluated: 2024-03-13. Review status: criteria provided, single submitter. Criteria: Invitae Variant Classification Sherloc (09022015). Collection method: clinical testing. Allele origin: germline.
Comment: This sequence change replaces aspartic acid, which is acidic and polar, with histidine, which is basic and polar, at codon 132 of the CDKN1B protein (p.Asp132His). This variant is present in population databases (no rsID available, gnomAD 0.0009%). This variant has not been reported in the literature in individuals affected with CDKN1B-related conditions. ClinVar contains an entry for this variant (Variation ID: 841193). An algorithm developed to predict the effect of missense changes on protein structure and function (PolyPhen-2) suggests that this variant is likely to be disruptive. In summary, the available evidence is currently insufficient to determine the role of this variant in disease. Therefore, it has been classified as a Variant of Uncertain Significance.

Ambry Genetics
Classification: Uncertain significance for Hereditary cancer-predisposing syndrome. Last evaluated: 2023-06-24. Review status: criteria provided, single submitter. Criteria: Ambry Variant Classification Scheme 2023. Collection method: clinical testing. Allele origin: germline.
Comment: The p.D132H variant (also known as c.394G>C), located in coding exon 1 of the CDKN1B gene, results from a G to C substitution at nucleotide position 394. The aspartic acid at codon 132 is replaced by histidine, an amino acid with similar properties. This amino acid position is conserved. In addition, this alteration is predicted to be tolerated by in silico analysis. Since supporting evidence is limited at this time, the clinical significance of this alteration remains unclear.

GeneDx
Classification: Uncertain significance. Last evaluated: 2023-01-11. Review status: criteria provided, single submitter. Criteria: GeneDx Variant Classification Process June 2021. Collection method: clinical testing. Allele origin: germline. Affected: yes.
Comment: Not observed at significant frequency in large population cohorts (gnomAD); In silico analysis supports that this missense variant does not alter protein structure/function; Has not been previously published as pathogenic or benign to our knowledge